The following is an entry in ClinVar:

ClinVar aggregate classification (germline): Uncertain significance (1 of 4 stars; one submission).

Conditions:
Hereditary cancer-predisposing syndrome. Also called: Neoplastic Syndromes, Hereditary; Tumor predisposition; Hereditary Cancer Syndrome; Hereditary neoplastic syndrome. Identifiers: Orphanet 140162, MedGen C0027672, MeSH D009386, MONDO:0015356.

Submission:

Ambry Genetics
Classification: Uncertain significance for Hereditary cancer-predisposing syndrome. Last evaluated: 2025-08-02. Review status: criteria provided, single submitter. Criteria: Ambry Variant Classification Scheme 2023. Collection method: clinical testing. Allele origin: germline.
Comment: The p.Q847E variant (also known as c.2539C>G), located in coding exon 17 of the SMARCA4 gene, results from a C to G substitution at nucleotide position 2539. The glutamine at codon 847 is replaced by glutamic acid, an amino acid with highly similar properties. This amino acid position is conserved. In addition, this alteration is predicted to be tolerated by in silico analysis. Based on the available evidence, the clinical significance of this variant remains unclear.

NM_003072.5(SMARCA4):c.2539C>G (p.Gln847Glu)

Gene: SMARCA4 (SWI/SNF related BAF chromatin remodeling complex subunit ATPase 4; plus strand). Cytogenetic location: 19p13.2.
Variant type: single nucleotide variant.
Coding change: c.2539C>G on transcript NM_003072.5 (MANE Select); coding-DNA position 2539, C replaced by G.
Protein change: p.Gln847Glu; replaces glutamine 847 with glutamic acid.
Molecular consequence: missense variant. On other transcripts: non-coding transcript variant (1).
Genome position (GRCh38, 1-based): chr19:11,019,624, C>G. VCF-style: chr19-11019624-C-G. GRCh37 (hg19) VCF-style: chr19-11130300-C-G.
Other names: c.2539C>G, p.Gln847Glu (NM_001128844.3, NM_001128845.2, NM_001128846.2 and 6 more transcripts); short protein forms Q847E.
Identifiers: ClinVar variation 4170166 (VCV004170166.1).